The following is an entry in ClinVar:

ClinVar aggregate classification (germline): Uncertain significance (0 of 4 stars; one submission).

Conditions:
CYP21A2-related disorder. Also called: CYP21A2-related condition.

Allele frequency attached by ClinVar (database versions not stated): gnomAD 0.00006; ExAC 0.00007; TOPMed 0.00007; gnomAD exomes 0.00009; ESP Exome Variant Server 0.00012.
gnomAD v4.1: 147 of 1,610,948 alleles (0.0091%); highest among the groups gnomAD compares: Non-Finnish European, 0.012%; no homozygotes.

Submission:

PreventionGenetics, part of Exact Sciences
Classification: Uncertain significance for CYP21A2-related condition. Last evaluated: 2023-11-09. Review status: no assertion criteria provided. Collection method: clinical testing. Allele origin: germline.
Comment: The CYP21A2 c.749T>C variant is predicted to result in the amino acid substitution p.Val250Ala. This variant was reported in an individual with 21-hydroxylase deficiency, but the clinical significance was unclear (Concolino et al. 2010. PubMed ID: 20482300); and a structure-phenotype correlation in silico study suggested that this variant could be associated with non-classic congenital adrenal hyperplasia (CAH) due to the interference with salt-bridge and hydrogen-bonding networks (Haider et al. 2013. PubMed ID: 23359706). This variant is reported in 0.013% of alleles in individuals of European (Non-Finnish) descent in gnomAD. This variant falls within a highly paralogous region. Allele frequency data should be interpreted with caution. At this time, the clinical significance of this variant is uncertain due to the absence of conclusive functional and genetic evidence.

NM_000500.9(CYP21A2):c.749T>C (p.Val250Ala)

Genes: CYP21A2 (cytochrome P450 family 21 subfamily A member 2; plus strand), LOC106780800 (CYP21A2 recombination region; plus strand). Cytogenetic location: 6p21.33.
Variant type: single nucleotide variant.
Coding change: c.749T>C on transcript NM_000500.9 (MANE Select); coding-DNA position 749, T replaced by C.
Protein change: p.Val250Ala; replaces valine 250 with alanine.
Molecular consequence: missense variant.
Genome position (GRCh38, 1-based): chr6:32,040,015, T>C. VCF-style: chr6-32040015-T-C. GRCh37 (hg19) VCF-style: chr6-32007792-T-C.
Other names: c.659T>C, p.Val220Ala (NM_001128590.4); c.344T>C, p.Val115Ala (NM_001368143.2, NM_001368144.2); short protein forms V115A, V220A, V250A.
Identifiers: ClinVar variation 3050942 (VCV003050942.2), dbSNP rs200778936, ClinGen allele CA3732533.